The following is an entry in ClinVar:

NM_018191.4(RCBTB1):c.439G>A (p.Gly147Arg)

Gene: RCBTB1 (RCC1 and BTB domain containing protein 1; minus strand). Cytogenetic location: 13q14.2.
Variant type: single nucleotide variant.
Coding change: c.439G>A on transcript NM_018191.4 (MANE Select); coding-DNA position 439, G replaced by A.
Protein change: p.Gly147Arg; replaces glycine 147 with arginine.
Molecular consequence: missense variant. On other transcripts: 5 prime UTR variant (1), non-coding transcript variant (2).
Genome position (GRCh38, 1-based): chr13:49,559,923, C>T on the plus strand (G>A on the coding strand, the complement: RCBTB1 is on the minus strand). VCF-style: chr13-49559923-C-T. GRCh37 (hg19) VCF-style: chr13-50134059-C-T.
Other names: c.439G>A, p.Gly147Arg (NM_001352500.2, NM_001352501.2, NM_001352502.2 and 3 more transcripts); c.-171G>A (NM_001352506.2); short protein forms G147R.
Identifiers: ClinVar variation 2111559 (VCV002111559.4), dbSNP rs1483355659, ClinGen allele CA388192028.

ClinVar aggregate classification (germline): Uncertain significance (1 of 4 stars; one submission).

Allele frequency attached by ClinVar (database versions not stated): gnomAD exomes below 0.00001.
gnomAD v4.1: 1 of 1,612,168 alleles (0.000062%); highest among the groups gnomAD compares: Non-Finnish European, 0.000085%; no homozygotes.

Submission:

Labcorp Genetics (formerly Invitae), Labcorp
Classification: Uncertain significance. Last evaluated: 2022-03-14. Review status: criteria provided, single submitter. Criteria: Invitae Variant Classification Sherloc (09022015). Collection method: clinical testing. Allele origin: germline.
Comment: This sequence change replaces glycine, which is neutral and non-polar, with arginine, which is basic and polar, at codon 147 of the RCBTB1 protein (p.Gly147Arg). The frequency data for this variant in the population databases is considered unreliable, as metrics indicate poor data quality at this position in the gnomAD database. This variant has not been reported in the literature in individuals affected with RCBTB1-related conditions. Algorithms developed to predict the effect of missense changes on protein structure and function (SIFT, PolyPhen-2, Align-GVGD) all suggest that this variant is likely to be disruptive. In summary, the available evidence is currently insufficient to determine the role of this variant in disease. Therefore, it has been classified as a Variant of Uncertain Significance.